The following is an entry in ClinVar:

NC_000019.9:g.(?_14028863)_(14031755_?)del

Gene: CC2D1A (coiled-coil and C2 domain containing 1A; plus strand). Cytogenetic location: 19p13.12.
Variant type: Deletion.
Identifiers: ClinVar variation 3242706 (VCV003242706.1).

ClinVar aggregate classification (germline): Pathogenic (1 of 4 stars; one submission).

Submission:

Labcorp Genetics (formerly Invitae), Labcorp
Classification: Pathogenic. Last evaluated: 2023-11-22. Review status: criteria provided, single submitter. Criteria: Invitae Variant Classification Sherloc (09022015). Collection method: clinical testing. Allele origin: unknown.
Comment: This variant is a gross deletion of the genomic region encompassing exon(s) 7-14 of the CC2D1A gene. This deletion is out-of-frame, and is expected to create a premature termination codon and result in an absent or disrupted protein product. Loss-of-function variants in CC2D1A are known to be pathogenic (PMID: 16033914). This variant has not been reported in the literature in individuals affected with CC2D1A-related conditions. For these reasons, this variant has been classified as Pathogenic.

Literature cited by the submitters: PubMed 16033914.